The following is an entry in ClinVar:

ClinVar aggregate classification (germline): Pathogenic (1 of 4 stars; one submission).

Conditions:
Myofibrillar myopathy 4. Also called: Zaspopathy (type). Identifiers: Orphanet 98912, MedGen C4721886, MONDO:0012277, OMIM 609452.

Submission:

Labcorp Genetics (formerly Invitae), Labcorp
Classification: Pathogenic for Myofibrillar myopathy 4. Last evaluated: 2026-01-14. Review status: criteria provided, single submitter. Criteria: Invitae Variant Classification Sherloc (09022015). Collection method: clinical testing. Allele origin: germline.
Comment: The LDB3 gene has multiple clinically relevant transcripts. This variant occurs in alternate transcript NM_007078.3, which corresponds to a similar sequence change NM_001080116.1:c.697C>T (p.Gln233*) in the primary transcript. This sequence change creates a premature translational stop signal (p.Gln280*) in the LDB3 gene. It is expected to result in an absent or disrupted protein product in both transcripts. However, loss-of-function variants in LDB3 are only known to be pathogenic in the alternate transcript (PMID: 36253531). This variant is not present in population databases (gnomAD no frequency). This variant has not been reported in the literature in individuals affected with LDB3-related conditions. For these reasons, this variant has been classified as Pathogenic.

Literature cited by the submitters: PubMed 36253531.

NM_007078.3(LDB3):c.838C>T (p.Gln280Ter)

Gene: LDB3 (LIM domain binding 3; plus strand). Cytogenetic location: 10q23.2.
Variant type: single nucleotide variant.
Coding change: c.838C>T on transcript NM_007078.3 (MANE Select); coding-DNA position 838, C replaced by T.
Protein change: p.Gln280Ter; replaces glutamine 280 with a stop codon.
Molecular consequence: nonsense.
Genome position (GRCh38, 1-based): chr10:86,692,044, C>T. VCF-style: chr10-86692044-C-T. GRCh37 (hg19) VCF-style: chr10-88451801-C-T.
Other names: c.697C>T, p.Gln233Ter (NM_001080114.2, NM_001080116.1, NM_001368066.1 and 2 more transcripts); c.838C>T, p.Gln280Ter (NM_001080115.2, NM_001368063.1, NM_001368064.1 and 1 more transcripts); c.1042C>T, p.Gln348Ter (NM_001171610.2, NM_001171611.2); short protein forms Q348*, Q233*, Q280*.
Identifiers: ClinVar variation 4735394 (VCV004735394.1).